The following is an entry in ClinVar:

NM_020207.7(ERCC6L2):c.1128C>G (p.Ile376Met)

Gene: ERCC6L2 (ERCC excision repair 6 like 2; plus strand). Cytogenetic location: 9q22.32.
Variant type: single nucleotide variant.
Coding change: c.1128C>G on transcript NM_020207.7 (MANE Select); coding-DNA position 1128, C replaced by G.
Protein change: p.Ile376Met; replaces isoleucine 376 with methionine.
Molecular consequence: missense variant. On other transcripts: non-coding transcript variant (1).
Genome position (GRCh38, 1-based): chr9:95,916,404, C>G. VCF-style: chr9-95916404-C-G. GRCh37 (hg19) VCF-style: chr9-98678686-C-G.
Other names: c.1128C>G, p.Ile376Met (NM_001010895.4, NM_001375291.1, NM_001375292.1 and 2 more transcripts); short protein forms I376M.
Identifiers: ClinVar variation 4250553 (VCV004250553.1).

ClinVar aggregate classification (germline): Uncertain significance (1 of 4 stars; one submission).

Conditions:
Inborn genetic diseases. Identifiers: MedGen C0950123, MeSH D030342.

gnomAD v4.1: 1 of 1,587,348 alleles (0.000063%); highest among the groups gnomAD compares: African/African-American, 0.0014%; no homozygotes.

Submission:

Ambry Genetics
Classification: Uncertain significance for Inborn genetic diseases. Last evaluated: 2025-06-22. Review status: criteria provided, single submitter. Criteria: Ambry Variant Classification Scheme 2023. Collection method: clinical testing. Allele origin: germline.
Comment: The p.I376M variant (also known as c.1128C>G), located in coding exon 6 of the ERCC6L2 gene, results from a C to G substitution at nucleotide position 1128. The isoleucine at codon 376 is replaced by methionine, an amino acid with highly similar properties. This amino acid position is conserved. In addition, this alteration is predicted to be deleterious by in silico analysis. Based on the available evidence, the clinical significance of this variant remains unclear.